The following is an entry in ClinVar:

ClinVar aggregate classification (germline): Uncertain significance. Review status: criteria provided, multiple submitters, no conflicts (2 of 4 stars). 2 submissions from 2 submitters: Uncertain significance (2). Last evaluated 2025-08-02.

Conditions:
Inborn genetic diseases. Identifiers: MedGen C0950123, MeSH D030342.
Monocytopenia with susceptibility to infections. Also called: IMMUNODEFICIENCY 21; GATA2 DEFICIENCY; Dendritic cell, monocyte, B lymphocyte, and natural killer lymphocyte deficiency; MONOCYTOPENIA AND MYCOBACTERIAL INFECTION SYNDROME; MONOCYTOPENIA WITH SUSCEPTIBILITY TO MYCOBACTERIAL, FUNGAL, AND PAPILLOMAVIRUS INFECTIONS AND MYELODYSPLASIA; COMBINED IMMUNODEFICIENCY WITH SUSCEPTIBILITY TO MYCOBACTERIAL, VIRAL, AND FUNGAL INFECTIONS. Identifiers: Orphanet 228423, MedGen C3280030, MONDO:0013607, OMIM 614172.
Deafness-lymphedema-leukemia syndrome. Also called: Emberger syndrome; Lymphedema, primary, with myelodysplasia. Identifiers: Orphanet 3226, MedGen C3279664, MONDO:0013540, OMIM 614038.

Submissions (2):

Ambry Genetics
Classification: Uncertain significance for Inborn genetic diseases. Last evaluated: 2025-08-02. Review status: criteria provided, single submitter. Criteria: Ambry Variant Classification Scheme 2023. Collection method: clinical testing. Allele origin: germline.
Comment: The p.P267H variant (also known as c.800C>A), located in coding exon 2 of the GATA2 gene, results from a C to A substitution at nucleotide position 800. The proline at codon 267 is replaced by histidine, an amino acid with similar properties. This amino acid position is conserved. In addition, this alteration is predicted to be deleterious by in silico analysis. Based on the available evidence, the clinical significance of this variant remains unclear.

Labcorp Genetics (formerly Invitae), Labcorp
Classification: Uncertain significance for Monocytopenia with susceptibility to infections; Deafness-lymphedema-leukemia syndrome. Last evaluated: 2023-06-21. Review status: criteria provided, single submitter. Criteria: Invitae Variant Classification Sherloc (09022015). Collection method: clinical testing. Allele origin: germline.
Comment: This sequence change replaces proline, which is neutral and non-polar, with histidine, which is basic and polar, at codon 267 of the GATA2 protein (p.Pro267His). In summary, the available evidence is currently insufficient to determine the role of this variant in disease. Therefore, it has been classified as a Variant of Uncertain Significance. Advanced modeling of protein sequence and biophysical properties (such as structural, functional, and spatial information, amino acid conservation, physicochemical variation, residue mobility, and thermodynamic stability) has been performed at Invitae for this missense variant, however the output from this modeling did not meet the statistical confidence thresholds required to predict the impact of this variant on GATA2 protein function. This variant has not been reported in the literature in individuals affected with GATA2-related conditions. This variant is not present in population databases (gnomAD no frequency).

NM_032638.5(GATA2):c.800C>A (p.Pro267His)

Gene: GATA2 (GATA binding protein 2; minus strand). Cytogenetic location: 3q21.3.
Variant type: single nucleotide variant.
Coding change: c.800C>A on transcript NM_032638.5 (MANE Select); coding-DNA position 800, C replaced by A.
Protein change: p.Pro267His; replaces proline 267 with histidine.
Molecular consequence: missense variant.
Genome position (GRCh38, 1-based): chr3:128,485,798, G>T on the plus strand (C>A on the coding strand, the complement: GATA2 is on the minus strand). VCF-style: chr3-128485798-G-T. GRCh37 (hg19) VCF-style: chr3-128204641-G-T.
Other names: c.800C>A, p.Pro267His (NM_001145661.2, NM_001145662.1); short protein forms P267H.
Identifiers: ClinVar variation 2928453 (VCV002928453.4), dbSNP rs886057930, ClinGen allele CA354405870.
Genomic context (GRCh38, chr3:128,485,798, plus strand): 5'-CGAGCCTTGCTGCGCTGCTTAGGGGTGAAGCTGGAGGCCGGTCCCCCCAGGAAGCCTCCG[G>T]GGTGGAAGAGTCCGCTGCTGTAGTCGTGGGCAGCCGCCGGCACATAGGAGGGGTAGGTGG-3'
Protein context (NP_116027.2, residues 257-277): AHDYSSGLFH[Pro267His]GGFLGGPASS